The following is an entry in ClinVar:

ClinVar aggregate classification (germline): Uncertain significance (1 of 4 stars; one submission).

Allele frequency attached by ClinVar (database versions not stated): gnomAD 0.00001; TOPMed 0.00001.
gnomAD v4.1: 18 of 1,586,258 alleles (0.0011%); highest among the groups gnomAD compares: Non-Finnish European, 0.0015%; no homozygotes.

Submission:

Labcorp Genetics (formerly Invitae), Labcorp
Classification: Uncertain significance. Last evaluated: 2023-07-29. Review status: criteria provided, single submitter. Criteria: Invitae Variant Classification Sherloc (09022015). Collection method: clinical testing. Allele origin: germline.
Comment: An algorithm developed to predict the effect of missense changes on protein structure and function (PolyPhen-2) suggests that this variant is likely to be disruptive. This variant has not been reported in the literature in individuals affected with LEMD3-related conditions. This variant is present in population databases (no rsID available, gnomAD 0.002%). This sequence change replaces glycine, which is neutral and non-polar, with alanine, which is neutral and non-polar, at codon 57 of the LEMD3 protein (p.Gly57Ala). In summary, the available evidence is currently insufficient to determine the role of this variant in disease. Therefore, it has been classified as a Variant of Uncertain Significance.

NM_014319.5(LEMD3):c.170G>C (p.Gly57Ala)

Gene: LEMD3 (LEM domain containing 3; plus strand). Cytogenetic location: 12q14.3.
Variant type: single nucleotide variant.
Coding change: c.170G>C on transcript NM_014319.5 (MANE Select); coding-DNA position 170, G replaced by C.
Protein change: p.Gly57Ala; replaces glycine 57 with alanine.
Molecular consequence: missense variant.
Genome position (GRCh38, 1-based): chr12:65,169,766, G>C. VCF-style: chr12-65169766-G-C. GRCh37 (hg19) VCF-style: chr12-65563546-G-C.
Other names: c.170G>C, p.Gly57Ala (NM_001167614.2); short protein forms G57A.
Identifiers: ClinVar variation 3009520 (VCV003009520.3), dbSNP rs1254835738, ClinGen allele CA385671897.